The following is an entry in ClinVar:

NM_016138.5(COQ7):c.577-3C>T

Gene: COQ7 (coenzyme Q7, hydroxylase; plus strand). Cytogenetic location: 16p12.3.
Variant type: single nucleotide variant.
Coding change: c.577-3C>T on transcript NM_016138.5 (MANE Select); 3 bases into the intron before coding-DNA position 577, C replaced by T.
Molecular consequence: intron variant.
Genome position (GRCh38, 1-based): chr16:19,078,078, C>T. VCF-style: chr16-19078078-C-T. GRCh37 (hg19) VCF-style: chr16-19089400-C-T.
Other names: c.508-3C>T (NM_001370490.1); c.463-3C>T (NM_001370494.1, NM_001190983.2, NM_001370492.1 and 1 more transcripts); c.394-3C>T (NM_001370495.1); c.535-3C>T (NM_001370489.1); c.466-3C>T (NM_001370491.1).
Identifiers: ClinVar variation 2104948 (VCV002104948.4), dbSNP rs780216670, ClinGen allele CA7933086.

ClinVar aggregate classification (germline): Uncertain significance (1 of 4 stars; one submission).

Allele frequency attached by ClinVar (database versions not stated): gnomAD exomes below 0.00001; ExAC 0.00002.
gnomAD v4.1: 4 of 1,587,730 alleles (0.00025%); highest among the groups gnomAD compares: South Asian, 0.0012%; no homozygotes.

Submission:

Labcorp Genetics (formerly Invitae), Labcorp
Classification: Uncertain significance. Last evaluated: 2022-04-06. Review status: criteria provided, single submitter. Criteria: Invitae Variant Classification Sherloc (09022015). Collection method: clinical testing. Allele origin: germline.
Comment: This variant has not been reported in the literature in individuals affected with COQ7-related conditions. In summary, the available evidence is currently insufficient to determine the role of this variant in disease. Therefore, it has been classified as a Variant of Uncertain Significance. Variants that disrupt the consensus splice site are a relatively common cause of aberrant splicing (PMID: 17576681, 9536098). Algorithms developed to predict the effect of sequence changes on RNA splicing suggest that this variant is not likely to affect RNA splicing. The frequency data for this variant in the population databases is considered unreliable, as metrics indicate poor data quality at this position in the gnomAD database. This sequence change falls in intron 5 of the COQ7 gene. It does not directly change the encoded amino acid sequence of the COQ7 protein. It affects a nucleotide within the consensus splice site.

Literature cited by the submitters: PubMed 17576681; PubMed 9536098.